The following is an entry in ClinVar:

NM_004655.4(AXIN2):c.2213C>T (p.Ser738Phe)

Gene: AXIN2 (axin 2; minus strand). Cytogenetic location: 17q24.1.
Variant type: single nucleotide variant.
Coding change: c.2213C>T on transcript NM_004655.4 (MANE Select); coding-DNA position 2213, C replaced by T.
Protein change: p.Ser738Phe; replaces serine 738 with phenylalanine.
Molecular consequence: missense variant.
Genome position (GRCh38, 1-based): chr17:65,535,650, G>A on the plus strand (C>T on the coding strand, the complement: AXIN2 is on the minus strand). VCF-style: chr17-65535650-G-A. GRCh37 (hg19) VCF-style: chr17-63531768-G-A.
Other names: c.2213C>T (LRG_296t1); c.2018C>T, p.Ser673Phe (NM_001363813.1); short protein forms S738F, S673F.
Identifiers: ClinVar variation 240010 (VCV000240010.34), dbSNP rs139209450, ClinGen allele CA8718375.
Genomic context (GRCh38, chr17:65,535,650, plus strand): 5'-CGGCAGATCTCAGTAATGTCAGGTAAAGACACTCACTCTTCTGGAGCCAGGCTTGGATTG[G>A]AGAAGGGTGTGGCTCCCGTCTGAACAGTGGCCGAATGATTCCTGTCCCTCTGCTGACTGG-3'
Protein context (NP_004646.3, residues 728-748): ATVQTGATPF[Ser738Phe]NPSLAPEDHK

ClinVar aggregate classification (germline): Benign/Likely benign. Review status: criteria provided, multiple submitters, no conflicts (2 of 4 stars). 11 submissions from 11 submitters: Benign (7); Likely benign (3). 1 of the submissions does not count toward it. Last evaluated 2026-02-03.

Conditions:
AXIN2-related disorder.
Hereditary cancer-predisposing syndrome. Also called: Hereditary Cancer Syndrome; Tumor predisposition; Hereditary neoplastic syndrome; Neoplastic Syndromes, Hereditary. Identifiers: Orphanet 140162, MedGen C0027672, MeSH D009386, MONDO:0015356.
Oligodontia-cancer predisposition syndrome. Also called: TOOTH AGENESIS-COLORECTAL CANCER SYNDROME. Identifiers: Orphanet 300576, MedGen C1837750, MONDO:0012075, OMIM 608615. Disease mechanism: loss of function.

Allele frequency attached by ClinVar (database versions not stated): ESP Exome Variant Server 0.00008; gnomAD 0.00031 and 0.00043; TOPMed 0.00086; gnomAD exomes 0.00103; ExAC 0.00106; 1000 Genomes Project 30x 0.00141; 1000 Genomes Project 0.00160.
gnomAD v4.1: 642 of 1,614,214 alleles (0.04%); highest among the groups gnomAD compares: East Asian, 1.3%; 3 homozygotes.

Submissions (11):

Dasa
Classification: Benign. Last evaluated: 2026-02-03. Review status: criteria provided, single submitter. Criteria: DASA Assertion Criteria. Collection method: clinical testing. Allele origin: germline.
Comment: NM_004655.4(AXIN2):c.2213C>T (p.Ser738Phe) is a missense variant that results in the substitution of serine with phenylalanine. Population frequency is inconsistent with a disease-causing role for this variant, and observations in unaffected individuals support a benign interpretation. Computational prediction algorithms are consistent with a benign effect. Therefore, based on the currently available evidence, this variant is classified as benign.

Labcorp Genetics (formerly Invitae), Labcorp
Classification: Benign for Oligodontia-cancer predisposition syndrome. Last evaluated: 2026-02-03. Review status: criteria provided, single submitter. Criteria: Invitae Variant Classification Sherloc (09022015). Collection method: clinical testing. Allele origin: germline.

Center for Genomic Medicine, Rigshospitalet, Copenhagen University Hospital
Classification: Benign. Last evaluated: 2025-03-04. Review status: criteria provided, single submitter. Criteria: ACMG Guidelines, 2015. Collection method: clinical testing. Allele origin: germline.

Women's Health and Genetics/Laboratory Corporation of America, LabCorp
Classification: Likely benign. Last evaluated: 2024-09-23. Review status: criteria provided, single submitter. Criteria: LabCorp Variant Classification Summary - May 2015. Collection method: clinical testing. Allele origin: germline.

Blueprint Genetics
Classification: Likely benign. Last evaluated: 2024-09-19. Review status: criteria provided, single submitter. Criteria: ACMG Guidelines, 2015. Collection method: clinical testing. Allele origin: germline.

KCCC/NGS Laboratory, Kuwait Cancer Control Center
Classification: Benign for Oligodontia-cancer predisposition syndrome. Last evaluated: 2023-07-07. Review status: criteria provided, single submitter. Criteria: ACMG Guidelines, 2015. Collection method: clinical testing. Allele origin: germline. Affected: yes.

Department of Pathology and Laboratory Medicine, Sinai Health System
Classification: Benign for oligodontia-cancer predisposition syndrome. Last evaluated: 2022-08-18. Review status: criteria provided, single submitter. Criteria: ACMG Guidelines, 2015. Collection method: clinical testing. Allele origin: germline. Affected: yes.

Ambry Genetics
Classification: Benign for Hereditary cancer-predisposing syndrome. Last evaluated: 2019-03-21. Review status: criteria provided, single submitter. Criteria: Ambry Variant Classification Scheme 2023. Collection method: clinical testing. Allele origin: germline.

Illumina Laboratory Services, Illumina
Classification: Likely benign for Oligodontia-cancer predisposition syndrome. Last evaluated: 2017-04-27. Review status: criteria provided, single submitter. Criteria: ICSL Variant Classification Criteria 13 December 2019. Collection method: clinical testing. Allele origin: germline.
Comment: This variant was observed as part of a predisposition screen in an ostensibly healthy population. A literature search was performed for the gene, cDNA change, and amino acid change (where applicable). Publications were found based on this search. The evidence from the literature, in combination with allele frequency data from public databases where available, was sufficient to determine this variant is unlikely to cause disease. Therefore, this variant is classified as likely benign.

GeneDx
Classification: Benign. Last evaluated: 2015-03-03. Review status: criteria provided, single submitter. Criteria: GeneDx Variant Classification Process June 2021. Collection method: clinical testing. Allele origin: germline. Affected: yes.

PreventionGenetics, part of Exact Sciences
Classification: Benign for AXIN2-related condition. Last evaluated: 2021-02-11. Review status: no assertion criteria provided. Collection method: clinical testing. Allele origin: germline. Not counted in ClinVar's aggregate classification.
Comment: This variant is classified as benign based on ACMG/AMP sequence variant interpretation guidelines (Richards et al. 2015 PMID: 25741868, with internal and published modifications).

Literature cited by the submitters: PubMed 17373666 (cited by Illumina Laboratory Services, Illumina).